The following is an entry in ClinVar:

ClinVar aggregate classification (germline): Benign (1 of 4 stars; one submission).

gnomAD v4.1: 461,092 of 708,280 alleles (65%); highest among the groups gnomAD compares: African/African-American, 84%; 152,525 homozygotes.

Submission:

Unidad de Genómica Garrahan, Hospital de Pediatría Garrahan
Classification: Benign. Last evaluated: 2024-07-31. Review status: criteria provided, single submitter. Criteria: ACMG Guidelines, 2015. Collection method: clinical testing. Allele origin: germline. Affected: no. Observed: 19 variant alleles.
Comment: This variant is classified as Benign based on local population frequency. This variant was detected in 20% of patients studied in a panel designed for Epileptic and Developmental Encephalopathy, Progressive Myoclonus Epilepsy and Abnormal Movements and Neurodegeneration with brain iron accumulation. Number of patients: 19. Only high quality variants are reported.

NM_001365536.1(SCN9A):c.377+94A>G

Gene: SCN9A (sodium voltage-gated channel alpha subunit 9; minus strand). Cytogenetic location: 2q24.3.
Variant type: single nucleotide variant.
Coding change: c.377+94A>G on transcript NM_001365536.1 (MANE Select); 94 bases into the intron after coding-DNA position 377, A replaced by G.
Molecular consequence: intron variant.
Genome position (GRCh38, 1-based): chr2:166,306,862, T>C on the plus strand (A>G on the coding strand, the complement: SCN9A is on the minus strand). VCF-style: chr2-166306862-T-C. GRCh37 (hg19) VCF-style: chr2-167163372-T-C.
Other names: c.377+94A>G (NM_002977.4).
Identifiers: ClinVar variation 3256836 (VCV003256836.2).